The following is an entry in ClinVar:

NM_000334.4(SCN4A):c.378G>C (p.Lys126Asn)

Gene: SCN4A (sodium voltage-gated channel alpha subunit 4; minus strand). Cytogenetic location: 17q23.3.
Variant type: single nucleotide variant.
Coding change: c.378G>C on transcript NM_000334.4 (MANE Select); coding-DNA position 378, G replaced by C.
Protein change: p.Lys126Asn; replaces lysine 126 with asparagine.
Molecular consequence: missense variant.
Genome position (GRCh38, 1-based): chr17:63,972,366, C>G on the plus strand (G>C on the coding strand, the complement: SCN4A is on the minus strand). VCF-style: chr17-63972366-C-G. GRCh37 (hg19) VCF-style: chr17-62049726-C-G.
Other names: p.Lys126Asn; short protein forms K126N.
Identifiers: ClinVar variation 3380514 (VCV003380514.1).

ClinVar aggregate classification (germline): Uncertain significance (1 of 4 stars; one submission).

Submission:

Mayo Clinic Laboratories, Mayo Clinic
Classification: Uncertain significance. Last evaluated: 2023-10-09. Review status: criteria provided, single submitter. Criteria: ACMG Guidelines, 2015. Collection method: clinical testing. Allele origin: germline. Observed: 1 variant allele.
Comment: PM2_moderate